The following is an entry in ClinVar:

NM_139057.4(ADAMTS17):c.2517C>G (p.Asn839Lys)

Gene: ADAMTS17 (ADAM metallopeptidase with thrombospondin type 1 motif 17; minus strand). Cytogenetic location: 15q26.3.
Variant type: single nucleotide variant.
Coding change: c.2517C>G on transcript NM_139057.4 (MANE Select); coding-DNA position 2517, C replaced by G.
Protein change: p.Asn839Lys; replaces asparagine 839 with lysine.
Molecular consequence: missense variant.
Genome position (GRCh38, 1-based): chr15:100,048,931, G>C on the plus strand (C>G on the coding strand, the complement: ADAMTS17 is on the minus strand). VCF-style: chr15-100048931-G-C. GRCh37 (hg19) VCF-style: chr15-100589136-G-C.
Other names: short protein forms N839K.
Identifiers: ClinVar variation 2062276 (VCV002062276.4), dbSNP rs750422781, ClinGen allele CA393692535.
Genomic context (GRCh38, chr15:100,048,931, plus strand): 5'-GTGCAAGTTGCACCTTCGGACCTGGGGCTCTGGGCGGCTTGCTTGAGGGCAGTCACTGTC[G>C]TTCACCAGAGTTGTGGTCTTGTTGACAATCCGTGTACACGAGACGATGGTTCTGCGCTCC-3'
Protein context (NP_620688.2, residues 829-849): RIVNKTTTLV[Asn839Lys]DSDCPQASRP

ClinVar aggregate classification (germline): Uncertain significance (1 of 4 stars; one submission).

Submission:

Labcorp Genetics (formerly Invitae), Labcorp
Classification: Uncertain significance. Last evaluated: 2021-12-27. Review status: criteria provided, single submitter. Criteria: Invitae Variant Classification Sherloc (09022015). Collection method: clinical testing. Allele origin: germline.
Comment: In summary, the available evidence is currently insufficient to determine the role of this variant in disease. Therefore, it has been classified as a Variant of Uncertain Significance. Algorithms developed to predict the effect of missense changes on protein structure and function are either unavailable or do not agree on the potential impact of this missense change (SIFT: "Not Available"; PolyPhen-2: "Possibly Damaging"; Align-GVGD: "Not Available"). This variant has not been reported in the literature in individuals affected with ADAMTS17-related conditions. This variant is not present in population databases (gnomAD no frequency). This sequence change replaces asparagine, which is neutral and polar, with lysine, which is basic and polar, at codon 839 of the ADAMTS17 protein (p.Asn839Lys).